The following is an entry in ClinVar:

NM_000053.4(ATP7B):c.2544C>T (p.Gly848=)

Gene: ATP7B (ATPase copper transporting beta; minus strand). Cytogenetic location: 13q14.3.
Variant type: single nucleotide variant.
Coding change: c.2544C>T on transcript NM_000053.4 (MANE Select); coding-DNA position 2544, C replaced by T.
Protein change: p.Gly848=; no amino-acid change (glycine 848 retained).
Molecular consequence: synonymous variant.
Genome position (GRCh38, 1-based): chr13:51,950,303, G>A on the plus strand (C>T on the coding strand, the complement: ATP7B is on the minus strand). VCF-style: chr13-51950303-G-A. GRCh37 (hg19) VCF-style: chr13-52524439-G-A.
Other names: p.Gly848=; c.2058C>T, p.Gly686= (NM_001005918.3); c.2211C>T, p.Gly737= (NM_001243182.2); c.2310C>T, p.Gly770= (NM_001330578.2); c.2292C>T, p.Gly764= (NM_001330579.2).
Identifiers: ClinVar variation 312387 (VCV000312387.71), dbSNP rs200996053, ClinGen allele CA6988981.

ClinVar aggregate classification (germline): Conflicting classifications of pathogenicity. Review status: criteria provided, conflicting classifications (1 of 4 stars). 14 submissions from 14 submitters: Uncertain significance (6); Likely benign (5). 3 of the submissions do not count toward it. Last evaluated 2026-05-09.

Conditions:
Wilson disease (WND). Also called: Wilson's disease. Identifiers: Orphanet 905, MedGen C0019202, MONDO:0010200, OMIM 277900. Disease mechanism: loss of function.
ATP7B-related disorder. Also called: ATP7B-related condition.

Allele frequency attached by ClinVar (database versions not stated): 1000 Genomes Project 30x 0.00031; TOPMed 0.00036; 1000 Genomes Project 0.00040; gnomAD 0.00045 and 0.00047; ExAC 0.00055; ESP Exome Variant Server 0.00055; gnomAD exomes 0.00060 and 0.00065.
gnomAD v4.1: 1,019 of 1,614,126 alleles (0.063%); highest among the groups gnomAD compares: South Asian, 0.074%; 1 homozygote.

Submissions (18):

PreventionGenetics, part of Exact Sciences
Classification: Uncertain significance for ATP7B-related condition. Last evaluated: 2026-05-09. Review status: criteria provided, single submitter. Criteria: ACMG Guidelines, 2015. Collection method: clinical testing. Allele origin: germline.
Comment: The ATP7B c.2544C>T variant is not predicted to result in an amino acid change (p.=). This variant is predicted to impact splicing at the donor splice site; however, this is based on computational modeling and this variant has not been functionally validated (SpliceAI, Jaganathan et al. 2019. PubMed ID: 30661751). This variant was previously reported as a variant of uncertain significance in a patient who presented with dystonia; however, this patient had a known pathogenic variant in a different gene (Stampfl et al. 2021. PubMed ID: 34395002). This variant is reported in 0.10% of alleles in individuals of European (Finnish) descent in gnomAD, which may be too common to be a primary cause of disease. Although we suspect that this variant may be benign, the clinical significance of this variant is currently classified as uncertain due to the absence of conclusive functional and genetic evidence.

Labcorp Genetics (formerly Invitae), Labcorp
Classification: Likely benign for Wilson disease. Last evaluated: 2026-01-28. Review status: criteria provided, single submitter. Criteria: Invitae Variant Classification Sherloc (09022015). Collection method: clinical testing. Allele origin: germline.

GeneDx
Classification: Uncertain significance. Last evaluated: 2025-12-08. Review status: criteria provided, single submitter. Criteria: GeneDx Variant Classification Process June 2021. Collection method: clinical testing. Allele origin: germline. Affected: yes.
Comment: Identified without a second ATP7B variant in a patient with dystonia in the published literature, however, this individual harbored variants in additional genes that are more likely to be contributing to this phenotype (PMID: 34395002); In silico analysis suggests this variant may impact gene splicing. In the absence of RNA/functional studies, the actual effect of this sequence change is unknown; This variant is associated with the following publications: (PMID: 34395002)

Blueprint Genetics
Classification: Likely benign. Last evaluated: 2024-11-13. Review status: criteria provided, single submitter. Criteria: ACMG Guidelines, 2015. Collection method: clinical testing. Allele origin: germline.

CeGaT Center for Human Genetics Tuebingen
Classification: Uncertain significance. Last evaluated: 2024-05-01. Review status: criteria provided, single submitter. Criteria: CeGaT Center For Human Genetics Tuebingen Variant Classification Criteria Version 2. Collection method: clinical testing. Allele origin: germline. Affected: yes. Observed: 2 variant alleles.

All of Us Research Program, National Institutes of Health
Classification: Likely benign for Wilson disease. Last evaluated: 2024-02-05. Review status: criteria provided, single submitter. Criteria: ACMG Guidelines, 2015. Collection method: clinical testing. Allele origin: germline. Inheritance: Autosomal recessive inheritance. Observed: 138 variant alleles, 138 heterozygotes.
Comment: This synonymous variant causes a C to T nucleotide change in exon #10 of the ATP7B gene. Splice site prediction tools indicate that this variant may activate a cryptic splice donor site 33 nucleotides upstream of the native intron 10 splice donor site. To our knowledge, functional studies have not been reported for this variant. This variant has not been reported in individuals affected with Wilson disease in the literature. This variant has been identified in 166/280920 chromosomes in the general population by the Genome Aggregation Database (gnomAD). The available evidence is insufficient to determine the role of this variant in disease conclusively. Therefore, this variant is classified as a Variant of Uncertain Significance.

This study involves interpretation of variants in research participants for the purpose of population health screening. Participant phenotype was not available at the time of variant classification. Additional details can be found in publication PMID: 35346344, PMCID: PMC8962531

Color Diagnostics, LLC DBA Color Health
Classification: Likely benign for Wilson disease. Last evaluated: 2023-12-04. Review status: criteria provided, single submitter. Criteria: ACMG Guidelines, 2015. Collection method: clinical testing. Allele origin: germline.

Mayo Clinic Laboratories, Mayo Clinic
Classification: Uncertain significance. Last evaluated: 2022-06-14. Review status: criteria provided, single submitter. Criteria: ACMG Guidelines, 2015. Collection method: clinical testing. Allele origin: germline. Observed: 1 variant allele.

Genome-Nilou Lab
Classification: Likely benign for Wilson disease. Last evaluated: 2021-08-10. Review status: criteria provided, single submitter. Criteria: ACMG Guidelines, 2015. Collection method: clinical testing. Allele origin: germline. Affected: no.

ARUP Laboratories, Molecular Genetics and Genomics, ARUP Laboratories
Classification: Uncertain significance for Wilson disease. Last evaluated: 2019-08-30. Review status: criteria provided, single submitter. Criteria: ARUP Molecular Germline Variant Investigation Process. Collection method: clinical testing. Allele origin: germline.
Comment: The ATP7B c.2544C>T; p.Gly848Gly variant (rs200996053), to our knowledge, is not reported in the medical literature but is reported in ClinVar (Variation ID: 312387). This variant is found in the Finnish European population with an overall allele frequency of 0.10% (26/25026 alleles) in the Genome Aggregation Database. This is a synonymous variant in a weakly conserved nucleotide, but computational analyses (Alamut v.2.11) predict that this variant may impact splicing by creating a novel cryptic splice donor site, though mRNA studies would be required to confirm this. Due to limited information, the clinical significance of the p.Gly848Gly variant is uncertain at this time.

Illumina Laboratory Services, Illumina
Classification: Uncertain significance for Wilson disease. Last evaluated: 2018-01-12. Review status: criteria provided, single submitter. Criteria: ICSL Variant Classification Criteria 13 December 2019. Collection method: clinical testing. Allele origin: germline.

Clinical Genetics DNA and cytogenetics Diagnostics Lab, Erasmus MC, Erasmus Medical Center
Classification: Uncertain significance. Review status: no assertion criteria provided. Collection method: clinical testing. Allele origin: germline. Affected: yes. Study: VKGL Data-share Consensus. Not counted in ClinVar's aggregate classification.

Diagnostic Laboratory, Department of Genetics, University Medical Center Groningen
Classification: Uncertain significance for Wilson disease. Review status: no assertion criteria provided. Collection method: clinical testing. Allele origin: germline. Affected: yes. Study: VKGL Data-share Consensus. Not counted in ClinVar's aggregate classification.

Dr. Peter K. Rogan Lab, Western University
No classification provided (evidence only). Condition: Acute myeloid leukemia. Review status: no classification provided. Collection method: in vitro. Allele origin: not applicable. Functional consequence: retained intron. Not counted in ClinVar's aggregate classification.

Dr. Peter K. Rogan Lab, Western University
No classification provided (evidence only). Condition: Thyroid cancer, nonmedullary, 1. Review status: no classification provided. Collection method: in vitro. Allele origin: not applicable. Functional consequence: retained intron. Not counted in ClinVar's aggregate classification.

Dr. Peter K. Rogan Lab, Western University
No classification provided (evidence only). Condition: Uterine corpus endometrial carcinoma. Review status: no classification provided. Collection method: in vitro. Allele origin: not applicable. Functional consequence: skipped exon. Not counted in ClinVar's aggregate classification.

Dr. Peter K. Rogan Lab, Western University
No classification provided (evidence only). Condition: Ovarian serous cystadenocarcinoma. Review status: no classification provided. Collection method: in vitro. Allele origin: not applicable. Functional consequence: retained intron. Not counted in ClinVar's aggregate classification.

Genome Diagnostics Laboratory, University Medical Center Utrecht
Classification: Uncertain significance. Review status: no assertion criteria provided. Collection method: clinical testing. Allele origin: germline. Affected: yes. Study: VKGL Data-share Consensus. Not counted in ClinVar's aggregate classification.

Literature cited by the submitters: PubMed 34395002 (cited by Mayo Clinic Laboratories, Mayo Clinic).